The following is an entry in ClinVar:

ClinVar aggregate classification (germline): Uncertain significance. Review status: criteria provided, multiple submitters, no conflicts (2 of 4 stars). 2 submissions from 2 submitters: Uncertain significance (2). Last evaluated 2025-12-15.

Conditions:
Cardiovascular phenotype. Identifiers: MedGen CN230736.

gnomAD v4.1: 13 of 1,560,056 alleles (0.00083%); highest among the groups gnomAD compares: Admixed American, 0.0037%; no homozygotes.

Submissions (2):

Ambry Genetics
Classification: Uncertain significance for Cardiovascular phenotype. Last evaluated: 2025-12-15. Review status: criteria provided, single submitter. Criteria: Ambry Variant Classification Scheme 2023. Collection method: clinical testing. Allele origin: germline.
Comment: The p.G645R variant (also known as c.1933G>A), located in coding exon 15 of the ENG gene, results from a G to A substitution at nucleotide position 1933. The glycine at codon 645 is replaced by arginine, an amino acid with dissimilar properties. This amino acid position is conserved. In addition, the in silico prediction for this alteration is inconclusive. Based on the available evidence, the clinical significance of this variant remains unclear.

GeneDx
Classification: Uncertain significance. Last evaluated: 2025-01-31. Review status: criteria provided, single submitter. Criteria: GeneDx Variant Classification Process June 2021. Collection method: clinical testing. Allele origin: germline. Affected: yes.
Comment: Not observed at significant frequency in large population cohorts (gnomAD); In silico analysis supports that this missense variant has a deleterious effect on protein structure/function; Has not been previously published as pathogenic or benign to our knowledge; Reported using an alternate transcript of the gene

NM_001114753.3(ENG):c.1933G>A (p.Gly645Arg)

Gene: ENG (endoglin; minus strand). Cytogenetic location: 9q34.11.
Variant type: single nucleotide variant.
Coding change: c.1933G>A on transcript NM_001114753.3 (MANE Select); coding-DNA position 1933, G replaced by A.
Protein change: p.Gly645Arg; replaces glycine 645 with arginine.
Molecular consequence: missense variant. On other transcripts: 3 prime UTR variant (1).
Genome position (GRCh38, 1-based): chr9:127,815,726, C>T on the plus strand (G>A on the coding strand, the complement: ENG is on the minus strand). VCF-style: chr9-127815726-C-T. GRCh37 (hg19) VCF-style: chr9-130578005-C-T.
Other names: c.1933G>A (NM_001114753.1); c.*191G>A (NM_000118.4); c.1387G>A, p.Gly463Arg (NM_001278138.2); short protein forms G463R, G645R.
Identifiers: ClinVar variation 4074427 (VCV004074427.2).